The following is an entry in ClinVar:

NM_004360.5(CDH1):c.358G>T (p.Gly120Trp)

Gene: CDH1 (cadherin 1; plus strand). Cytogenetic location: 16q22.1.
Variant type: single nucleotide variant.
Coding change: c.358G>T on transcript NM_004360.5 (MANE Select); coding-DNA position 358, G replaced by T.
Protein change: p.Gly120Trp; replaces glycine 120 with tryptophan.
Molecular consequence: missense variant. On other transcripts: 5 prime UTR variant (2).
Genome position (GRCh38, 1-based): chr16:68,801,864, G>T. VCF-style: chr16-68801864-G-T. GRCh37 (hg19) VCF-style: chr16-68835767-G-T.
Other names: c.358G>T (LRG_301t1); c.358G>T, p.Gly120Trp (NM_001317184.2); c.-1258G>T (NM_001317185.2); c.-1462G>T (NM_001317186.2); short protein forms G120W.
Identifiers: ClinVar variation 654852 (VCV000654852.14), dbSNP rs751789834, ClinGen allele CA396457455.

ClinVar aggregate classification (germline): Conflicting classifications of pathogenicity. Review status: criteria provided, conflicting classifications (1 of 4 stars). 2 submissions from 2 submitters: Uncertain significance (1); Likely benign (1). Last evaluated 2024-04-19.

Conditions:
Hereditary cancer-predisposing syndrome. Also called: Neoplastic Syndromes, Hereditary; Hereditary neoplastic syndrome; Hereditary Cancer Syndrome; Tumor predisposition. Identifiers: Orphanet 140162, MedGen C0027672, MeSH D009386, MONDO:0015356.
Hereditary diffuse gastric adenocarcinoma (HDGC). Also called: DIFFUSE GASTRIC AND LOBULAR BREAST CANCER SYNDROME. Identifiers: Orphanet 26106, MedGen C1708349, MONDO:0007648, OMIM 137215.

Submissions (2):

Ambry Genetics
Classification: Likely benign for Hereditary cancer-predisposing syndrome. Last evaluated: 2024-04-19. Review status: criteria provided, single submitter. Criteria: Ambry Variant Classification Scheme 2023. Collection method: clinical testing. Allele origin: germline.

Labcorp Genetics (formerly Invitae), Labcorp
Classification: Uncertain significance for Hereditary diffuse gastric adenocarcinoma. Last evaluated: 2018-12-25. Review status: criteria provided, single submitter. Criteria: Invitae Variant Classification Sherloc (09022015). Collection method: clinical testing. Allele origin: germline.
Comment: In summary, the available evidence is currently insufficient to determine the role of this variant in disease. Therefore, it has been classified as a Variant of Uncertain Significance. Algorithms developed to predict the effect of missense changes on protein structure and function are either unavailable or do not agree on the potential impact of this missense change (SIFT: "Deleterious"; PolyPhen-2: "Benign"; Align-GVGD: "Class C0"). This variant has not been reported in the literature in individuals with CDH1-related conditions. This variant is not present in population databases (ExAC no frequency). This sequence change replaces glycine with tryptophan at codon 120 of the CDH1 protein (p.Gly120Trp). The glycine residue is moderately conserved and there is a large physicochemical difference between glycine and tryptophan.